The following is an entry in ClinVar:

ClinVar aggregate classification (germline): Pathogenic (1 of 4 stars; one submission).

Submission:

GeneDx
Classification: Pathogenic. Last evaluated: 2015-07-19. Review status: criteria provided, single submitter. Criteria: GeneDx Variant Classification (06012015). Collection method: clinical testing. Allele origin: germline. Affected: yes.
Comment: The c.1695_1698delTTGT deletion in the FANCB gene has not been reported previously as a pathogenic variant nor as a benign polymorphism, to our knowledge. The c.1695_1698delTTGT deletion is predicted to cause loss of normal protein function either through protein truncation or nonsense-mediated mRNA decay. The c.1695_1698delTTGTvariant was not observed in approximately 6500 individuals of European and African American ancestry in the NHLBI Exome Sequencing Project, indicating it is not a common benign variant in these populations. We interpret c.1695_1698delTTGT as a pathogenic variant.

NM_001018113.3(FANCB):c.1695_1698del (p.Cys566fs)

Gene: FANCB (FA complementation group B; minus strand). Cytogenetic location: Xp22.2.
Variant type: Microsatellite.
Coding change: c.1695_1698del on transcript NM_001018113.3 (MANE Select); coding-DNA positions 1695 to 1698, 4 bases deleted (TTGT; older notation c.1695_1698delTTGT).
Protein change: p.Cys566fs; shifts the reading frame from cysteine 566.
Molecular consequence: frameshift variant.
Genome position (GRCh38, 1-based): chrX:14,845,085-14,845,088, ACAA deleted on the plus strand (TTGT on the coding strand, the reverse complement: FANCB is on the minus strand); deleting any 4 consecutive bases within chrX:14,845,085-14,845,093 gives the same sequence; the c. name uses the placement nearest the transcript's 3' end. VCF-style (leftmost placement, unchanged base first): chrX-14845084-CACAA-C. GRCh37 (hg19) VCF-style: chrX-14863206-CACAA-C.
Other names: c.1695_1698del, p.Cys566fs (NM_001324162.2, NM_152633.4); short protein forms C566fs.
Identifiers: ClinVar variation 419268 (VCV000419268.2), dbSNP rs1064793758, ClinGen allele CA16621215.